The following is an entry in ClinVar:

ClinVar aggregate classification (germline): Conflicting classifications of pathogenicity. Review status: criteria provided, conflicting classifications (1 of 4 stars). 3 submissions from 3 submitters: Uncertain significance (1); Likely benign (2). Last evaluated 2026-01-06.

Conditions:
Hereditary cancer-predisposing syndrome. Also called: Hereditary Cancer Syndrome; Hereditary neoplastic syndrome; Neoplastic Syndromes, Hereditary; Tumor predisposition. Identifiers: Orphanet 140162, MedGen C0027672, MeSH D009386, MONDO:0015356.
Hereditary breast ovarian cancer syndrome. Also called: BRCA1- and BRCA2-Associated Hereditary Breast and Ovarian Cancer; Hereditary breast and ovarian cancer; Hereditary breast and ovarian cancer syndrome (HBOC); Hereditary breast and/or ovarian cancer syndrome; Hereditary breast and ovarian cancer syndrome; Breast and ovarian cancer. Identifiers: Orphanet 145, MedGen C0677776, MeSH D061325, MONDO:0003582. Disease mechanism: loss of function.

Allele frequency attached by ClinVar (database versions not stated): TOPMed below 0.00001.

Submissions (3):

Labcorp Genetics (formerly Invitae), Labcorp
Classification: Uncertain significance for Hereditary breast ovarian cancer syndrome. Last evaluated: 2026-01-06. Review status: criteria provided, single submitter. Criteria: Invitae Variant Classification Sherloc (09022015). Collection method: clinical testing. Allele origin: germline.
Comment: This sequence change replaces asparagine, which is neutral and polar, with serine, which is neutral and polar, at codon 1719 of the BRCA2 protein (p.Asn1719Ser). This variant is not present in population databases (gnomAD no frequency). This variant has not been reported in the literature in individuals affected with BRCA2-related conditions. ClinVar contains an entry for this variant (Variation ID: 1448057). Invitae Evidence Modeling of protein sequence and biophysical properties (such as structural, functional, and spatial information, amino acid conservation, physicochemical variation, residue mobility, and thermodynamic stability) indicates that this missense variant is not expected to disrupt BRCA2 protein function with a negative predictive value of 95%. In summary, the available evidence is currently insufficient to determine the role of this variant in disease. Therefore, it has been classified as a Variant of Uncertain Significance.

University of Washington Department of Laboratory Medicine, University of Washington
Classification: Likely benign for Hereditary cancer-predisposing syndrome. Last evaluated: 2023-03-23. Review status: criteria provided, single submitter. Criteria: Dines et al. (Genet Med. 2020). Collection method: curation. Allele origin: germline.
Comment: Missense variant in a coldspot region where missense variants are very unlikely to be pathogenic (PMID:31911673).

BRCA2 exon 11 coldspot. Reclassification based on statistical prior probability.

Ambry Genetics
Classification: Likely benign for Hereditary cancer-predisposing syndrome. Last evaluated: 2021-01-06. Review status: criteria provided, single submitter. Criteria: Ambry Variant Classification Scheme 2023. Collection method: clinical testing. Allele origin: germline.

NM_000059.4(BRCA2):c.5156A>G (p.Asn1719Ser)

Gene: BRCA2 (BRCA2 DNA repair associated; plus strand). Cytogenetic location: 13q13.1.
Variant type: single nucleotide variant.
Coding change: c.5156A>G on transcript NM_000059.4 (MANE Select); coding-DNA position 5156, A replaced by G.
Protein change: p.Asn1719Ser; replaces asparagine 1719 with serine.
Molecular consequence: missense variant.
Genome position (GRCh38, 1-based): chr13:32,339,511, A>G. VCF-style: chr13-32339511-A-G. GRCh37 (hg19) VCF-style: chr13-32913648-A-G.
Other names: short protein forms N1719S.
Identifiers: ClinVar variation 1448057 (VCV001448057.13), dbSNP rs1179768667, ClinGen allele CA387784234.